The following is an entry in ClinVar:

NM_000370.3(TTPA):c.235G>T (p.Glu79Ter)

Gene: TTPA (alpha tocopherol transfer protein; minus strand). Cytogenetic location: 8q12.3.
Variant type: single nucleotide variant.
Coding change: c.235G>T on transcript NM_000370.3 (MANE Select); coding-DNA position 235, G replaced by T.
Protein change: p.Glu79Ter; replaces glutamic acid 79 with a stop codon.
Molecular consequence: nonsense.
Genome position (GRCh38, 1-based): chr8:63,073,058, C>A on the plus strand (G>T on the coding strand, the complement: TTPA is on the minus strand). VCF-style: chr8-63073058-C-A. GRCh37 (hg19) VCF-style: chr8-63985617-C-A.
Other names: short protein forms E79*.
Identifiers: ClinVar variation 1412594 (VCV001412594.6), dbSNP rs1289894249, ClinGen allele CA371333906.

ClinVar aggregate classification (germline): Pathogenic (1 of 4 stars; one submission).

Submission:

Labcorp Genetics (formerly Invitae), Labcorp
Classification: Pathogenic. Last evaluated: 2021-09-25. Review status: criteria provided, single submitter. Criteria: Invitae Variant Classification Sherloc (09022015). Collection method: clinical testing. Allele origin: germline.
Comment: This variant is not present in population databases (ExAC no frequency). For these reasons, this variant has been classified as Pathogenic. This variant has not been reported in the literature in individuals affected with TTPA-related conditions. This sequence change creates a premature translational stop signal (p.Glu79*) in the TTPA gene. It is expected to result in an absent or disrupted protein product. Loss-of-function variants in TTPA are known to be pathogenic (PMID: 9463307, 26068213).

Literature cited by the submitters: PubMed 9463307; PubMed 26068213.